The following is an entry in ClinVar:

ClinVar aggregate classification (germline): Benign/Likely benign. Review status: criteria provided, multiple submitters, no conflicts (2 of 4 stars). 5 submissions from 5 submitters: Benign (1); Likely benign (4). Last evaluated 2025-10-14.

Conditions:
Hereditary pulmonary alveolar proteinosis. Also called: Pulmonary surfactant metabolism dysfunction. Identifiers: Orphanet 264675, MedGen C3711368, MONDO:0012580.
Surfactant metabolism dysfunction, pulmonary, 2 (SMDP2). Also called: DESQUAMATIVE INTERSTITIAL PNEUMONITIS DUE TO SURFACTANT PROTEIN C DEFICIENCY; INTERSTITIAL LUNG DISEASE DUE TO SURFACTANT PROTEIN C DEFICIENCY; PULMONARY ALVEOLAR PROTEINOSIS, CONGENITAL, 2. Identifiers: Orphanet 440392, MedGen C1970470, MONDO:0024465, OMIM 610913.

Allele frequency attached by ClinVar (database versions not stated): 1000 Genomes Project 30x 0.00047; TOPMed 0.00097; ESP Exome Variant Server 0.00124; gnomAD 0.00076 and 0.00083; 1000 Genomes Project 0.00040; ExAC 0.00124.
gnomAD v4.1: 1,430 of 1,614,032 alleles (0.089%); highest among the groups gnomAD compares: Non-Finnish European, 0.04%; 10 homozygotes.

Submissions (6):

Labcorp Genetics (formerly Invitae), Labcorp
Classification: Benign. Last evaluated: 2025-10-14. Review status: criteria provided, single submitter. Criteria: Invitae Variant Classification Sherloc (09022015). Collection method: clinical testing. Allele origin: germline.

Johns Hopkins Genomics, Johns Hopkins University
Classification: Likely benign for Surfactant metabolism dysfunction, pulmonary, 2. Last evaluated: 2019-05-29. Review status: criteria provided, single submitter. Criteria: ACMG Guidelines, 2015. Collection method: clinical testing. Allele origin: germline.

Illumina Laboratory Services, Illumina
Classification: Likely benign for Surfactant metabolism dysfunction, pulmonary, 2. Last evaluated: 2017-04-27. Review status: criteria provided, single submitter. Criteria: ICSL Variant Classification Criteria 13 December 2019. Collection method: clinical testing. Allele origin: germline.
Comment: This variant was observed as part of a predisposition screen in an ostensibly healthy population. A literature search was performed for the gene, cDNA change, and amino acid change (where applicable). Publications were found based on this search. The evidence from the literature, in combination with allele frequency data from public databases where available, was sufficient to determine this variant is unlikely to cause disease. Therefore, this variant is classified as likely benign.

Ambry Genetics
Classification: Likely benign for Hereditary pulmonary alveolar proteinosis. Last evaluated: 2015-10-06. Review status: criteria provided, single submitter. Criteria: Ambry Variant Classification Scheme 2023. Collection method: clinical testing. Allele origin: germline.

Breakthrough Genomics
Classification: Likely benign. Review status: criteria provided, single submitter. Criteria: ACMG Guidelines, 2015. Collection method: not provided. Allele origin: germline. Inheritance: Autosomal dominant inheritance. Affected: yes.

Dr. Peter K. Rogan Lab, Western University
No classification provided (evidence only). Condition: Lung cancer. Review status: no classification provided. Collection method: in vitro. Allele origin: not applicable. Functional consequence: cryptic splice site, retained intron. Not counted in ClinVar's aggregate classification.

Literature cited by the submitters: PubMed 15516475 (cited by Illumina Laboratory Services, Illumina and Ambry Genetics); PubMed 19910179 (cited by Illumina Laboratory Services, Illumina and Ambry Genetics).

NM_001317778.2(SFTPC):c.24C>G (p.Val8=)

Gene: SFTPC (surfactant protein C; plus strand). Cytogenetic location: 8p21.3.
Variant type: single nucleotide variant.
Coding change: c.24C>G on transcript NM_001317778.2 (MANE Select); coding-DNA position 24, C replaced by G.
Protein change: p.Val8=; no amino-acid change (valine 8 retained).
Molecular consequence: synonymous variant.
Genome position (GRCh38, 1-based): chr8:22,161,852, C>G. VCF-style: chr8-22161852-C-G. GRCh37 (hg19) VCF-style: chr8-22019365-C-G.
Other names: c.24C>G, p.Val8= (NM_001172357.2, NM_001172410.2, NM_001317779.2 and 2 more transcripts).
Identifiers: ClinVar variation 362550 (VCV000362550.18), dbSNP rs144603526, ClinGen allele CA4663851.